The following is an entry in ClinVar:

NM_024753.5(TTC21B):c.1386+1G>T

Gene: TTC21B (tetratricopeptide repeat domain 21B; minus strand). Cytogenetic location: 2q24.3.
Variant type: single nucleotide variant.
Coding change: c.1386+1G>T on transcript NM_024753.5 (MANE Select); the canonical splice donor site of the intron after coding-DNA position 1386, G replaced by T.
Molecular consequence: splice donor variant.
Genome position (GRCh38, 1-based): chr2:165,929,134, C>A on the plus strand (G>T on the coding strand, the complement: TTC21B is on the minus strand). VCF-style: chr2-165929134-C-A. GRCh37 (hg19) VCF-style: chr2-166785644-C-A.
Identifiers: ClinVar variation 1179100 (VCV001179100.10), dbSNP rs764514397, ClinGen allele CA1942163.

ClinVar aggregate classification (germline): Likely pathogenic. Review status: criteria provided, multiple submitters, no conflicts (2 of 4 stars). 4 submissions from 4 submitters: Likely pathogenic (4). Last evaluated 2025-09-20.

Conditions:
Nephronophthisis. Also called: Juvenile Nephronophthisis. Identifiers: Orphanet 655, MedGen C0687120, MONDO:0019005, HP:0000090.
Jeune thoracic dystrophy. Also called: Jeune syndrome; Short-rib thoracic dysplasia; Infantile thoracic dystrophy; Thoracic pelvic phalangeal dystrophy; Jeune's syndrome; Chondroectodermal dysplasia-like syndrome. Identifiers: Orphanet 474, MedGen C0265275, MONDO:0018770.
Nephronophthisis 12 (NPHP12). Identifiers: Orphanet 655, MedGen C3151186, MONDO:0013442, OMIM 613820.
Asphyxiating thoracic dystrophy 4 (SRTD4). Also called: SHORT-RIB THORACIC DYSPLASIA 4 WITH OR WITHOUT POLYDACTYLY; SHORT-RIB THORACIC DYSPLASIA 4. Identifiers: Orphanet 474, MedGen C3151185, MONDO:0013441, OMIM 613819.
TTC21B-related disorder. Also called: TTC21B-related disorders; TTC21B-related condition.

Allele frequency attached by ClinVar (database versions not stated): TOPMed below 0.00001; gnomAD exomes 0.00001 and 0.00002; ExAC 0.00003.
gnomAD v4.1: 8 of 1,612,190 alleles (0.0005%); highest among the groups gnomAD compares: Admixed American, 0.0067%; no homozygotes.

Submissions (4):

PreventionGenetics, part of Exact Sciences
Classification: Likely pathogenic for TTC21B-related condition. Last evaluated: 2025-09-20. Review status: criteria provided, single submitter. Criteria: ACMG Guidelines, 2015. Collection method: clinical testing. Allele origin: germline.
Comment: The TTC21B c.1386+1G>T variant is predicted to disrupt the GT donor site and interfere with normal splicing. To our knowledge, this variant has not been reported in the literature. This variant is reported in 0.015% of alleles in individuals of Latino descent in gnomAD and is interpreted as likely pathogenic in ClinVar (Variation ID: 1179100). Variants that disrupt the consensus splice donor site in TTC21B are expected to be pathogenic. This variant is interpreted as likely pathogenic.

Genetic Services Laboratory, University of Chicago
Classification: Likely pathogenic. Last evaluated: 2024-05-31. Review status: criteria provided, single submitter. Criteria: ACMG Guidelines, 2015. Collection method: clinical testing. Allele origin: germline. Affected: yes.
Comment: DNA sequence analysis of the TTC21B gene demonstrated a sequence change located in the canonical splice donor site in intron 11, c.1386+1G>T. This sequence change does not appear to have been previously described in individuals with TTC21B-related disorders. This sequence change has been described in the gnomAD database in 0.0067% in the Latino subpopulation and 0.0004% in the overall population (dbSNP rs764514397). Based on in-silico splice prediction programs, this sequence change likely affects normal splicing of the TTC21B gene, which would result in an abnormal protein product, however functional studies have not been performed to prove this conclusively.

Labcorp Genetics (formerly Invitae), Labcorp
Classification: Likely pathogenic for Jeune thoracic dystrophy; Nephronophthisis. Last evaluated: 2023-04-14. Review status: criteria provided, single submitter. Criteria: Invitae Variant Classification Sherloc (09022015). Collection method: clinical testing. Allele origin: germline.
Comment: In summary, the currently available evidence indicates that the variant is pathogenic, but additional data are needed to prove that conclusively. Therefore, this variant has been classified as Likely Pathogenic. Algorithms developed to predict the effect of sequence changes on RNA splicing suggest that this variant may disrupt the consensus splice site. ClinVar contains an entry for this variant (Variation ID: 1179100). This variant has not been reported in the literature in individuals affected with TTC21B-related conditions. This variant is present in population databases (rs764514397, gnomAD 0.01%). This sequence change affects a donor splice site in intron 11 of the TTC21B gene. It is expected to disrupt RNA splicing. Variants that disrupt the donor or acceptor splice site typically lead to a loss of protein function (PMID: 16199547), and loss-of-function variants in TTC21B are known to be pathogenic (PMID: 18327258, 21068128, 21258341, 23559409, 24876116, 25492405, 27491411, 29068549).

Fulgent Genetics
Classification: Likely pathogenic for Asphyxiating thoracic dystrophy 4; Nephronophthisis 12. Last evaluated: 2021-06-30. Review status: criteria provided, single submitter. Criteria: ACMG Guidelines, 2015. Collection method: clinical testing. Allele origin: unknown.
Comment: This variant has been detected in individual(s) who were sent for testing of Renasight - kidney gene panel.

Literature cited by the submitters: PubMed 16199547 (cited by Labcorp Genetics (formerly Invitae), Labcorp); PubMed 18327258 (cited by Labcorp Genetics (formerly Invitae), Labcorp); PubMed 21068128 (cited by Labcorp Genetics (formerly Invitae), Labcorp); PubMed 21258341 (cited by Labcorp Genetics (formerly Invitae), Labcorp); PubMed 23559409 (cited by Labcorp Genetics (formerly Invitae), Labcorp); PubMed 24876116 (cited by Labcorp Genetics (formerly Invitae), Labcorp); PubMed 25492405 (cited by Labcorp Genetics (formerly Invitae), Labcorp); PubMed 27491411 (cited by Labcorp Genetics (formerly Invitae), Labcorp); PubMed 29068549 (cited by Labcorp Genetics (formerly Invitae), Labcorp).